The following is an entry in ClinVar:

NM_080911.3(UNG):c.824C>G (p.Thr275Arg)

Gene: UNG (uracil DNA glycosylase; plus strand). Cytogenetic location: 12q24.11.
Variant type: single nucleotide variant.
Coding change: c.824C>G on transcript NM_080911.3 (MANE Select); coding-DNA position 824, C replaced by G.
Protein change: p.Thr275Arg; replaces threonine 275 with arginine.
Molecular consequence: missense variant.
Genome position (GRCh38, 1-based): chr12:109,109,851, C>G. VCF-style: chr12-109109851-C-G. GRCh37 (hg19) VCF-style: chr12-109547656-C-G.
Other names: c.797C>G, p.Thr266Arg (NM_003362.4); short protein forms T266R, T275R.
Identifiers: ClinVar variation 2060994 (VCV002060994.4), dbSNP rs761656626, ClinGen allele CA386476058.

ClinVar aggregate classification (germline): Uncertain significance (1 of 4 stars; one submission).

Conditions:
Hyper-IgM syndrome type 5 (HIGM5). Also called: Hyper-IgM Immunodeficiency Syndrome, Type 5. Identifiers: Orphanet 101092, MedGen C1720958, MONDO:0011971, OMIM 608106.

gnomAD v4.1: 21 of 1,613,916 alleles (0.0013%); highest among the groups gnomAD compares: Non-Finnish European, 0.0017%; no homozygotes.

Submission:

Labcorp Genetics (formerly Invitae), Labcorp
Classification: Uncertain significance for Hyper-IgM syndrome type 5. Last evaluated: 2022-05-22. Review status: criteria provided, single submitter. Criteria: Invitae Variant Classification Sherloc (09022015). Collection method: clinical testing. Allele origin: germline.
Comment: This sequence change replaces threonine, which is neutral and polar, with arginine, which is basic and polar, at codon 275 of the UNG protein (p.Thr275Arg). This variant is not present in population databases (gnomAD no frequency). This variant has not been reported in the literature in individuals affected with UNG-related conditions. Algorithms developed to predict the effect of missense changes on protein structure and function are either unavailable or do not agree on the potential impact of this missense change (SIFT: "Deleterious"; PolyPhen-2: "Probably Damaging"; Align-GVGD: "Class C0"). In summary, the available evidence is currently insufficient to determine the role of this variant in disease. Therefore, it has been classified as a Variant of Uncertain Significance.